The following is an entry in ClinVar:

NM_001111125.3(IQSEC2):c.1246_1247dup (p.Ala417fs)

Gene: IQSEC2 (IQ motif and Sec7 domain ArfGEF 2; minus strand). Cytogenetic location: Xp11.22.
Variant type: Duplication.
Coding change: c.1246_1247dup on transcript NM_001111125.3 (MANE Select); coding-DNA positions 1246 to 1247, 2 bases duplicated (GG; older notation c.1246_1247dupGG).
Protein change: p.Ala417fs; shifts the reading frame from alanine 417.
Molecular consequence: frameshift variant.
Genome position (GRCh38, 1-based): chrX:53,254,684-53,254,685, CC duplicated on the plus strand (GG on the coding strand, the reverse complement: IQSEC2 is on the minus strand); duplicating any 2 consecutive bases within chrX:53,254,684-53,254,686 gives the same sequence; the c. name uses the placement nearest the transcript's 3' end. VCF-style (leftmost placement, unchanged base first): chrX-53254683-A-ACC. GRCh37 (hg19) VCF-style: chrX-53283865-A-ACC.
Other names: c.1246_1247dup, p.Ala417fs (NM_001410736.1, NM_001441092.1); c.748_749dup, p.Ala251fs (NM_001441093.1); c.535_536dup, p.Ala180fs (NM_001441094.1, NM_001441095.1); c.631_632dup, p.Ala212fs (NM_015075.2); short protein forms A417fs, A180fs, A212fs, A251fs.
Identifiers: ClinVar variation 4725851 (VCV004725851.1).

ClinVar aggregate classification (germline): Pathogenic (1 of 4 stars; one submission).

Conditions:
Intellectual developmental disorder, X-linked 1. Also called: Atkin Flaitz Patil Smith syndrome; MENTAL RETARDATION, X-LINKED 18; MENTAL RETARDATION, X-LINKED 78; Intellectual disability, X-linked 1. Identifiers: Orphanet 777, MedGen C2931498, MONDO:0010656, OMIM 309530.

Submission:

Labcorp Genetics (formerly Invitae), Labcorp
Classification: Pathogenic for Intellectual developmental disorder, X-linked 1. Last evaluated: 2025-08-29. Review status: criteria provided, single submitter. Criteria: Invitae Variant Classification Sherloc (09022015). Collection method: clinical testing. Allele origin: germline.
Comment: This sequence change creates a premature translational stop signal (p.Ala417Valfs*53) in the IQSEC2 gene. It is expected to result in an absent or disrupted protein product. Loss-of-function variants in IQSEC2 are known to be pathogenic (PMID: 21686261, 26793055, 27665735). This variant is not present in population databases (gnomAD no frequency). This variant has not been reported in the literature in individuals affected with IQSEC2-related conditions. For these reasons, this variant has been classified as Pathogenic.

Literature cited by the submitters: PubMed 21686261; PubMed 26793055; PubMed 27665735.